The following is an entry in ClinVar:

ClinVar aggregate classification (germline): Uncertain significance. Review status: criteria provided, multiple submitters, no conflicts (2 of 4 stars). 3 submissions from 2 submitters: Uncertain significance (2). 1 of the submissions does not count toward it. Last evaluated 2024-05-22.

Conditions:
Sotos syndrome (SOTOS). Also called: Distinctive facial appearance, overgrowth in childhood, and learning disabilities or delayed development; CEREBRAL GIGANTISM; Sotos' syndrome; CHROMOSOME 5q35 DELETION SYNDROME; SOTOS SYNDROME 1. Identifiers: Orphanet 821, MedGen C0175695, MONDO:0019349, OMIM 117550.

Submissions (3):

Women's Health and Genetics/Laboratory Corporation of America, LabCorp
Classification: Uncertain significance. Last evaluated: 2024-05-22. Review status: criteria provided, single submitter. Criteria: LabCorp Variant Classification Summary - May 2015. Collection method: clinical testing. Allele origin: germline.
Comment: Variant summary: NSD1 c.8018C>G (p.Pro2673Arg) results in a non-conservative amino acid change in the encoded protein sequence. Three of five in-silico tools predict a damaging effect of the variant on protein function. The variant was absent in 251418 control chromosomes. The available data on variant occurrences in the general population are insufficient to allow any conclusion about variant significance. To our knowledge, no occurrence of c.8018C>G in individuals affected with Sotos Syndrome and no experimental evidence demonstrating its impact on protein function have been reported. ClinVar contains an entry for this variant (Variation ID: 524714). Based on the evidence outlined above, the variant was classified as uncertain significance.

Labcorp Genetics (formerly Invitae), Labcorp
Classification: Uncertain significance. Last evaluated: 2018-07-01. Review status: criteria provided, single submitter. Criteria: Invitae Variant Classification Sherloc (09022015). Collection method: clinical testing. Allele origin: germline.
Comment: This sequence change replaces proline with arginine at codon 2673 of the NSD1 protein (p.Pro2673Arg). The proline residue is weakly conserved and there is a moderate physicochemical difference between proline and arginine. This variant is not present in population databases (ExAC no frequency). This variant has not been reported in the literature in individuals with NSD1-related disease. Algorithms developed to predict the effect of missense changes on protein structure and function do not agree on the potential impact of this missense change (SIFT: "Deleterious"; PolyPhen-2: "Benign"; Align-GVGD: "Class C0"). In summary, the available evidence is currently insufficient to determine the role of this variant in disease. Therefore, it has been classified as a Variant of Uncertain Significance.

Labcorp Genetics (formerly Invitae), Labcorp
Classification: Uncertain significance. Last evaluated: 2021-09-01. Review status: flagged submission. Criteria: Invitae Variant Classification Sherloc (09022015). Collection method: clinical testing. Allele origin: germline. Not counted in ClinVar's aggregate classification.
Comment: This sequence change replaces proline with arginine at codon 2673 of the NSD1 protein (p.Pro2673Arg). The proline residue is weakly conserved and there is a moderate physicochemical difference between proline and arginine. This variant is not present in population databases (ExAC no frequency). This variant has not been reported in the literature in individuals affected with NSD1-related conditions. Algorithms developed to predict the effect of missense changes on protein structure and function are either unavailable or do not agree on the potential impact of this missense change (SIFT: "Deleterious"; PolyPhen-2: "Benign"; Align-GVGD: "Class C0"). In summary, the available evidence is currently insufficient to determine the role of this variant in disease. Therefore, it has been classified as a Variant of Uncertain Significance.
ClinVar note: Reason: This record appears to be redundant with a more recent record from the same submitter.
ClinVar note: Notes: SCV001537235 appears to be redundant with SCV000749466.

NM_022455.5(NSD1):c.8018C>G (p.Pro2673Arg)

Gene: NSD1 (nuclear receptor binding SET domain protein 1; plus strand). Cytogenetic location: 5q35.3.
Variant type: single nucleotide variant.
Coding change: c.8018C>G on transcript NM_022455.5 (MANE Select); coding-DNA position 8018, C replaced by G.
Protein change: p.Pro2673Arg; replaces proline 2673 with arginine.
Molecular consequence: missense variant.
Genome position (GRCh38, 1-based): chr5:177,295,386, C>G. VCF-style: chr5-177295386-C-G. GRCh37 (hg19) VCF-style: chr5-176722387-C-G.
Other names: c.7145C>G, p.Pro2382Arg (NM_001365684.2, NM_001409308.1, NM_172349.5); c.8018C>G, p.Pro2673Arg (NM_001409301.1, NM_001409302.1, NM_001409303.1); c.7598C>G, p.Pro2533Arg (NM_001409304.1); c.7265C>G, p.Pro2422Arg (NM_001409305.1); c.7256C>G, p.Pro2419Arg (NM_001409306.1, NM_001409307.1); c.6896C>G, p.Pro2299Arg (NM_001409309.1); short protein forms P2673R, P2404R, P2299R, P2382R, P2533R, P2419R, P2422R.
Identifiers: ClinVar variation 524714 (VCV000524714.11), dbSNP rs1554208207, ClinGen allele CA362335498.